The following is an entry in ClinVar:

NM_206933.4(USH2A):c.9291A>C (p.Lys3097Asn)

Gene: USH2A (usherin; minus strand). Cytogenetic location: 1q41.
Variant type: single nucleotide variant.
Coding change: c.9291A>C on transcript NM_206933.4 (MANE Select); coding-DNA position 9291, A replaced by C.
Protein change: p.Lys3097Asn; replaces lysine 3097 with asparagine.
Molecular consequence: missense variant.
Genome position (GRCh38, 1-based): chr1:215,838,071, T>G on the plus strand (A>C on the coding strand, the complement: USH2A is on the minus strand). VCF-style: chr1-215838071-T-G. GRCh37 (hg19) VCF-style: chr1-216011413-T-G.
Other names: c.9291A>C (NM_206933.2); short protein forms K3097N.
Identifiers: ClinVar variation 596472 (VCV000596472.12), dbSNP rs143872133, ClinGen allele CA1394354.

ClinVar aggregate classification (germline): Uncertain significance. Review status: criteria provided, multiple submitters, no conflicts (2 of 4 stars). 6 submissions from 5 submitters: Uncertain significance (5). 1 of the submissions does not count toward it. Last evaluated 2023-11-04.

Conditions:
Usher syndrome type 2A. Also called: RETINAL DISEASE IN USHER SYNDROME TYPE IIA, MODIFIER OF; USHER SYNDROME, TYPE IIA. Identifiers: Orphanet 231178, Orphanet 886, MedGen C1848634, MONDO:0010169, OMIM 276901.
Inborn genetic diseases. Identifiers: MedGen C0950123, MeSH D030342.
Retinitis pigmentosa 39 (RP39). Identifiers: Orphanet 791, MedGen C3151138, MONDO:0013436, OMIM 613809.

Allele frequency attached by ClinVar (database versions not stated): ExAC 0.00001; gnomAD exomes 0.00001; gnomAD 0.00003; TOPMed 0.00006; ESP Exome Variant Server 0.00008.
gnomAD v4.1: 7 of 1,613,948 alleles (0.00043%); highest among the groups gnomAD compares: African/African-American, 0.0093%; no homozygotes.

Submissions (6):

Genome-Nilou Lab
Classification: Uncertain significance for Retinitis pigmentosa 39. Last evaluated: 2023-11-04. Review status: criteria provided, single submitter. Criteria: ACMG Guidelines, 2015. Collection method: clinical testing. Allele origin: germline. Affected: no.

Genome-Nilou Lab
Classification: Uncertain significance for Usher syndrome type 2A. Last evaluated: 2023-11-04. Review status: criteria provided, single submitter. Criteria: ACMG Guidelines, 2015. Collection method: clinical testing. Allele origin: germline. Affected: no.

Ambry Genetics
Classification: Uncertain significance for Inborn genetic diseases. Last evaluated: 2022-04-07. Review status: criteria provided, single submitter. Criteria: Ambry Variant Classification Scheme 2023. Collection method: clinical testing. Allele origin: germline.

Labcorp Genetics (formerly Invitae), Labcorp
Classification: Uncertain significance. Last evaluated: 2021-08-24. Review status: criteria provided, single submitter. Criteria: Invitae Variant Classification Sherloc (09022015). Collection method: clinical testing. Allele origin: germline.
Comment: This sequence change replaces lysine with asparagine at codon 3097 of the USH2A protein (p.Lys3097Asn). The lysine residue is highly conserved and there is a moderate physicochemical difference between lysine and asparagine. This variant is present in population databases (rs143872133, ExAC 0.01%). This variant has not been reported in the literature in individuals affected with USH2A-related conditions. ClinVar contains an entry for this variant (Variation ID: 596472). Algorithms developed to predict the effect of missense changes on protein structure and function (SIFT, PolyPhen-2, Align-GVGD) all suggest that this variant is likely to be disruptive. Algorithms developed to predict the effect of sequence changes on RNA splicing suggest that this variant may create or strengthen a splice site. In summary, the available evidence is currently insufficient to determine the role of this variant in disease. Therefore, it has been classified as a Variant of Uncertain Significance.

Eurofins Ntd Llc (ga)
Classification: Uncertain significance. Last evaluated: 2018-04-04. Review status: criteria provided, single submitter. Criteria: EGL ClinVar v180209 classification definitions. Collection method: clinical testing. Allele origin: germline. Observed: 1 variant allele, 1 heterozygote.

Natera, Inc.
Classification: Uncertain significance for Usher syndrome type 2A. Last evaluated: 2019-11-11. Review status: no assertion criteria provided. Collection method: clinical testing. Allele origin: germline. Not counted in ClinVar's aggregate classification.